The following is an entry in ClinVar:

NM_000127.3(EXT1):c.1761_1763delinsAAC (p.Arg588Thr)

Gene: EXT1 (exostosin glycosyltransferase 1; minus strand). Cytogenetic location: 8q24.11.
Variant type: Indel.
Coding change: c.1761_1763delinsAAC on transcript NM_000127.3 (MANE Select); coding-DNA positions 1761 to 1763, GAG replaced by AAC.
Protein change: p.Arg588Thr; replaces arginine 588 with threonine.
Molecular consequence: missense variant.
Genome position (GRCh38, 1-based): chr8:117,807,337-117,807,339, CTC replaced by GTT on the plus strand (GAG replaced by AAC on the coding strand, the reverse complement: EXT1 is on the minus strand). VCF-style: chr8-117807337-CTC-GTT. GRCh37 (hg19) VCF-style: chr8-118819576-CTC-GTT.
Other names: short protein forms R588T.
Identifiers: ClinVar variation 4884063 (VCV004884063.2).

ClinVar aggregate classification (germline): Uncertain significance (1 of 4 stars; one submission).

Submission:

Dasa
Classification: Uncertain significance. Last evaluated: 2025-08-04. Review status: criteria provided, single submitter. Criteria: DASA Assertion Criteria. Collection method: clinical testing. Allele origin: germline.
Comment: NM_000127.3(EXT1):c.1761_1763delinsAAC (p.Arg588Thr) is an in-frame insertion/deletion-insertion predicted to alter the protein sequence without shifting the reading frame. This variant is absent from population databases. The currently available literature and clinical evidence are not sufficient to establish a definitive association between this variant and the reported condition. Therefore, this variant is classified as a variant of uncertain significance.